The following is an entry in ClinVar:

NM_007294.4(BRCA1):c.5036T>A (p.Leu1679Gln)

Gene: BRCA1 (BRCA1 DNA repair associated; minus strand). Cytogenetic location: 17q21.31.
Variant type: single nucleotide variant.
Coding change: c.5036T>A on transcript NM_007294.4 (MANE Select); coding-DNA position 5036, T replaced by A.
Protein change: p.Leu1679Gln; replaces leucine 1679 with glutamine.
Molecular consequence: missense variant. On other transcripts: non-coding transcript variant (1).
Genome position (GRCh38, 1-based): chr17:43,067,646, A>T on the plus strand (T>A on the coding strand, the complement: BRCA1 is on the minus strand). VCF-style: chr17-43067646-A-T. GRCh37 (hg19) VCF-style: chr17-41219663-A-T.
Other names: c.4823T>A, p.Leu1608Gln (NM_001407571.1, NM_001407894.1, NM_001407895.1 and 12 more transcripts); c.5102T>A, p.Leu1701Gln (NM_001407581.1, NM_001407582.1); c.5099T>A, p.Leu1700Gln (NM_001407583.1, NM_001407585.1, NM_001407587.1 and 1 more transcripts); c.5096T>A, p.Leu1699Gln (NM_001407590.1, NM_001407591.1); c.5036T>A, p.Leu1679Gln (NM_001407593.1, NM_001407594.1, NM_001407596.1 and 8 more transcripts); c.5033T>A, p.Leu1678Gln (NM_001407617.1, NM_001407618.1, NM_001407619.1 and 17 more transcripts); c.5030T>A, p.Leu1677Gln (NM_001407636.1, NM_001407637.1, NM_001407638.1 and 14 more transcripts); c.5027T>A, p.Leu1676Gln (NM_001407644.1, NM_001407645.1); and 70 more; short protein forms L575Q, L1700Q, L1632Q, L1679Q, L1383Q, L1552Q, L1589Q, L1608Q.
Identifiers: ClinVar variation 867559 (VCV000867559.3), dbSNP rs760038328, ClinGen allele CA10591444.

Conditions:
Breast-ovarian cancer, familial, susceptibility to, 1 (BROVCA1). Also called: BRCA1 Hereditary Breast and Ovarian Cancer; OVARIAN CANCER, SUSCEPTIBILITY TO. Identifiers: Orphanet 145, MedGen C2676676, MONDO:0011450, OMIM 604370. Disease mechanism: loss of function.

Submission:

Brotman Baty Institute, University of Washington
No classification provided (evidence only). Condition: Breast-ovarian cancer, familial 1. Review status: no classification provided. Collection method: in vitro. Allele origin: not applicable. Functional consequence: functionally_normal.
ClinVar note: "not provided" was previously submitted as the classification for the variant. However, the classification appeared to be based only on an observation of functional data so it was converted to no classification on 2025-07-30.